The following is an entry in ClinVar:

ClinVar aggregate classification (germline): Uncertain significance (1 of 4 stars; one submission).

Conditions:
Aicardi-Goutieres syndrome 5. Identifiers: Orphanet 51, MedGen C2749659, MONDO:0013059, OMIM 612952.

gnomAD v4.1: 42 of 1,613,888 alleles (0.0026%); highest among the groups gnomAD compares: African/African-American, 0.004%; no homozygotes.

Submission:

Labcorp Genetics (formerly Invitae), Labcorp
Classification: Uncertain significance for Aicardi-Goutieres syndrome 5. Last evaluated: 2022-03-20. Review status: criteria provided, single submitter. Criteria: Invitae Variant Classification Sherloc (09022015). Collection method: clinical testing. Allele origin: germline.
Comment: This sequence change replaces arginine, which is basic and polar, with glutamine, which is neutral and polar, at codon 164 of the SAMHD1 protein (p.Arg164Gln). The frequency data for this variant in the population databases is considered unreliable, as metrics indicate poor data quality at this position in the gnomAD database. This variant has not been reported in the literature in individuals affected with SAMHD1-related conditions. Algorithms developed to predict the effect of missense changes on protein structure and function are either unavailable or do not agree on the potential impact of this missense change (SIFT: "Deleterious"; PolyPhen-2: "Probably Damaging"; Align-GVGD: "Class C0"). In summary, the available evidence is currently insufficient to determine the role of this variant in disease. Therefore, it has been classified as a Variant of Uncertain Significance.

NM_015474.4(SAMHD1):c.491G>A (p.Arg164Gln)

Gene: SAMHD1 (SAM and HD domain containing deoxynucleoside triphosphate triphosphohydrolase 1; minus strand). Cytogenetic location: 20q11.23.
Variant type: single nucleotide variant.
Coding change: c.491G>A on transcript NM_015474.4 (MANE Select); coding-DNA position 491, G replaced by A.
Protein change: p.Arg164Gln; replaces arginine 164 with glutamine.
Molecular consequence: missense variant.
Genome position (GRCh38, 1-based): chr20:36,935,047, C>T on the plus strand (G>A on the coding strand, the complement: SAMHD1 is on the minus strand). VCF-style: chr20-36935047-C-T. GRCh37 (hg19) VCF-style: chr20-35563450-C-T.
Other names: c.491G>A, p.Arg164Gln (NM_001363729.2, NM_001363733.2); short protein forms R164Q.
Identifiers: ClinVar variation 1984799 (VCV001984799.1), dbSNP rs1290849663, ClinGen allele CA408822821.
Genomic context (GRCh38, chr20:36,935,047, plus strand): 5'-ATACTTAAAAACTGCAAGTTCCCCACCCCATTCCCTTCTTACCCTAGACTATGCTCAAAT[C>T]GATTGTGTGAAGCTCCTGGAAAAACATAGTAACCACCTCCCAGCTGTTTGATGTATCGAA-3'
Protein context (NP_056289.2, residues 154-174): YYVFPGASHN[Arg164Gln]FEHSLGVGYL